The following is an entry in ClinVar:

ClinVar aggregate classification (germline): Pathogenic. Review status: criteria provided, multiple submitters, no conflicts (2 of 4 stars). 5 submissions from 5 submitters: Pathogenic (4). 1 of the submissions does not count toward it. Last evaluated 2024-07-17.

Conditions:
METACHROMATIC LEUKODYSTROPHY, SEVERE. Identifiers: MedGen C4017094.
Metachromatic leukodystrophy (MLD). Also called: Cerebral sclerosis diffuse metachromatic form; METACHROMATIC LEUKOENCEPHALOPATHY; SULFATIDE LIPIDOSIS; ARSA DEFICIENCY; CEREBROSIDE SULFATASE DEFICIENCY; Arylsulfatase A Deficiency. Identifiers: Orphanet 512, MedGen C0023522, MONDO:0018868, OMIM 250100.

gnomAD v4.1: 1 of 1,612,982 alleles (0.000062%); no homozygotes.

Submissions (5):

Natera, Inc.
Classification: Pathogenic for Metachromatic leukodystrophy. Last evaluated: 2024-07-17. Review status: criteria provided, single submitter. Criteria: Natera Variant Classification Schema (03/2026). Collection method: clinical testing. Allele origin: germline.
Comment: The c.854+1G>A variant in ARSA is a canonical splice donor site variant predicted to affect pre-mRNA splicing, which may result in an abnormal transcript and altered protein product. This variant is expected to result in nonsense mediated decay, truncation, or a dysfunctional protein product. This variant is rare in the general population with a frequency below the threshold expected for the associated phenotype(s). This variant has been observed in one or more individuals affected with the associated recessive disease, as either homozygous or compound heterozygous with a second variant (PMID: 28762252). Given the available evidence, this variant is classified as Pathogenic.

GeneDx
Classification: Pathogenic. Last evaluated: 2024-02-17. Review status: criteria provided, single submitter. Criteria: GeneDx Variant Classification Process June 2021. Collection method: clinical testing. Allele origin: germline. Affected: yes.
Comment: Canonical splice site variant in a gene for which loss-of-function is a known mechanism of disease; Not observed at significant frequency in large population cohorts (gnomAD); Has not been previously published as pathogenic or benign to our knowledge; This variant is associated with the following publications: (PMID: 25525159, 27535533)

Labcorp Genetics (formerly Invitae), Labcorp
Classification: Pathogenic for Metachromatic leukodystrophy. Last evaluated: 2023-07-08. Review status: criteria provided, single submitter. Criteria: Invitae Variant Classification Sherloc (09022015). Collection method: clinical testing. Allele origin: germline.
Comment: For these reasons, this variant has been classified as Pathogenic. Studies have shown that disruption of this splice site results in exon 4 skipping and introduces a premature termination codon (PMID: 7833949). The resulting mRNA is expected to undergo nonsense-mediated decay. ClinVar contains an entry for this variant (Variation ID: 928475). Disruption of this splice site has been observed in individuals with metachromatic leukodystrophy (PMID: 7833949). This variant is not present in population databases (gnomAD no frequency). This sequence change affects a donor splice site in intron 4 of the ARSA gene. RNA analysis indicates that disruption of this splice site induces altered splicing and may result in an absent or disrupted protein product.

Women's Health and Genetics/Laboratory Corporation of America, LabCorp
Classification: Pathogenic for Metachromatic leukodystrophy. Last evaluated: 2019-01-25. Review status: criteria provided, single submitter. Criteria: LabCorp Variant Classification Summary - May 2015. Collection method: clinical testing. Allele origin: germline.
Comment: Variant summary: ARSA c.854+1G>A is located in a canonical splice-site and is predicted to affect mRNA splicing resulting in a significantly altered protein due to either exon skipping, shortening, or inclusion of intronic material. Several computational tools predict a significant impact on normal splicing: Five predict the variant abolishes a 5' splicing donor site. A functional study, Pastor-Soler_1994, supports these predictions and found the variant to cause a deletion of exon 4. The variant was absent in 243414 control chromosomes (gnomAD). c.854+1G>A has been reported in the literature in multiple homozygous individuals affected with Metachromatic Leukodystrophy (Pastor-Soler_1994). These data indicate that the variant is very likely to be associated with disease. No clinical diagnostic laboratories have submitted clinical-significance assessments for this variant to ClinVar after 2014. Based on the evidence outlined above, the variant was classified as pathogenic.

OMIM
Classification: Pathogenic for METACHROMATIC LEUKODYSTROPHY, SEVERE. Last evaluated: 1994-01-01. Review status: no assertion criteria provided. Collection method: literature only. Allele origin: germline. Not counted in ClinVar's aggregate classification.

Literature cited by the submitters: PubMed 28762252 (cited by Natera, Inc.); PubMed 7833949 (cited by 3 submitters).

NM_000487.6(ARSA):c.854+1G>A

Gene: ARSA (arylsulfatase A; minus strand). Cytogenetic location: 22q13.33.
Variant type: single nucleotide variant.
Coding change: c.854+1G>A on transcript NM_000487.6 (MANE Select); the canonical splice donor site of the intron after coding-DNA position 854, G replaced by A.
Molecular consequence: splice donor variant.
Genome position (GRCh38, 1-based): chr22:50,626,590, C>T on the plus strand (G>A on the coding strand, the complement: ARSA is on the minus strand). VCF-style: chr22-50626590-C-T. GRCh37 (hg19) VCF-style: chr22-51065018-C-T.
Other names: IVS4DS, G-A, +1; c.596+1G>A (NM_001362782.2, NM_001085428.3); c.854+1G>A (NM_001085427.3, NM_001085426.3, NM_001085425.3).
Identifiers: ClinVar variation 928475 (VCV000928475.14), dbSNP rs886041911, ClinGen allele CA412175562.